The following is an entry in ClinVar:

ClinVar aggregate classification (germline): Benign. Review status: criteria provided, multiple submitters, no conflicts (2 of 4 stars). 2 submissions from 2 submitters: Benign (2). Last evaluated 2018-06-14.

Allele frequency attached by ClinVar (database versions not stated): gnomAD exomes 0.03212; gnomAD 0.12071 and 0.12618; ESP Exome Variant Server 0.12243; TOPMed 0.13412; 1000 Genomes Project 0.15515; 1000 Genomes Project 30x 0.15974.

Submissions (2):

GeneDx
Classification: Benign. Last evaluated: 2018-06-14. Review status: criteria provided, single submitter. Criteria: GeneDx Variant Classification (06012015). Collection method: clinical testing. Allele origin: germline. Affected: yes.
Comment: This variant is considered likely benign or benign based on one or more of the following criteria: it is a conservative change, it occurs at a poorly conserved position in the protein, it is predicted to be benign by multiple in silico algorithms, and/or has population frequency not consistent with disease.

Breakthrough Genomics
Classification: Benign. Review status: criteria provided, single submitter. Criteria: ACMG Guidelines, 2015. Collection method: not provided. Allele origin: germline. Inheritance: Autosomal recessive inheritance. Affected: yes.

NM_000090.4(COL3A1):c.2445+67A>G

Genes: COL3A1 (collagen type III alpha 1 chain; plus strand), LOC126806446 (P300/CBP strongly-dependent group 1 enhancer GRCh37_chr2:189866210-189867409; plus strand). Cytogenetic location: 2q32.2.
Variant type: single nucleotide variant.
Coding change: c.2445+67A>G on transcript NM_000090.4 (MANE Select); 67 bases into the intron after coding-DNA position 2445, A replaced by G.
Molecular consequence: intron variant.
Genome position (GRCh38, 1-based): chr2:189,002,418, A>G. VCF-style: chr2-189002418-A-G. GRCh37 (hg19) VCF-style: chr2-189867144-A-G.
Identifiers: ClinVar variation 673375 (VCV000673375.2), dbSNP rs13306257, ClinGen allele CA62556064.